The following is an entry in ClinVar:

NM_001184.4(ATR):c.3484A>G (p.Met1162Val)

Gene: ATR (ATR checkpoint kinase; minus strand). Cytogenetic location: 3q23.
Variant type: single nucleotide variant.
Coding change: c.3484A>G on transcript NM_001184.4 (MANE Select); coding-DNA position 3484, A replaced by G.
Protein change: p.Met1162Val; replaces methionine 1162 with valine.
Molecular consequence: missense variant.
Genome position (GRCh38, 1-based): chr3:142,541,001, T>C on the plus strand (A>G on the coding strand, the complement: ATR is on the minus strand). VCF-style: chr3-142541001-T-C. GRCh37 (hg19) VCF-style: chr3-142259843-T-C.
Other names: c.3292A>G, p.Met1098Val (NM_001354579.2); short protein forms M1162V, M1098V.
Identifiers: ClinVar variation 1731864 (VCV001731864.2), dbSNP rs1340086255, ClinGen allele CA354807905.
Genomic context (GRCh38, chr3:142,541,001, plus strand): 5'-GGCCAGTTCTCAGTGTGGTCATCATCTTCACCCTCACAGAACTGACATGTTTGGGTCCCA[T>C]TAACTTCATCAAAGACATCAAACTGTTCAAGGCCTATAGAGTTAAGTAGTGCTTCAGAGT-3'
Protein context (NP_001175.2, residues 1152-1172): LNSLMSLMKL[Met1162Val]GPKHVSSVRV

ClinVar aggregate classification (germline): Uncertain significance (1 of 4 stars; one submission).

Conditions:
Inborn genetic diseases. Identifiers: MedGen C0950123, MeSH D030342.

Submission:

Ambry Genetics
Classification: Uncertain significance for Inborn genetic diseases. Last evaluated: 2022-02-13. Review status: criteria provided, single submitter. Criteria: Ambry Variant Classification Scheme 2023. Collection method: clinical testing. Allele origin: germline.
Comment: The p.M1162V variant (also known as c.3484A>G), located in coding exon 18 of the ATR gene, results from an A to G substitution at nucleotide position 3484. The methionine at codon 1162 is replaced by valine, an amino acid with highly similar properties. This amino acid position is conserved. In addition, the in silico prediction for this alteration is inconclusive. Since supporting evidence is limited at this time, the clinical significance of this alteration remains unclear.